The following is an entry in ClinVar:

NM_015346.4(ZFYVE26):c.1067_1068delinsTT (p.Cys356Phe)

Gene: ZFYVE26 (zinc finger FYVE-type containing 26; minus strand). Cytogenetic location: 14q24.1.
Variant type: Indel.
Coding change: c.1067_1068delinsTT on transcript NM_015346.4 (MANE Select); coding-DNA positions 1067 to 1068, GC replaced by TT.
Protein change: p.Cys356Phe; replaces cysteine 356 with phenylalanine.
Molecular consequence: missense variant.
Genome position (GRCh38, 1-based): chr14:67,805,568-67,805,569, GC replaced by AA on the plus strand (GC replaced by TT on the coding strand, the reverse complement: ZFYVE26 is on the minus strand). VCF-style: chr14-67805568-GC-AA. GRCh37 (hg19) VCF-style: chr14-68272285-GC-AA.
Other names: c.1067_1068delinsTT (NM_015346.3); short protein forms C356F.
Identifiers: ClinVar variation 2190270 (VCV002190270.2), dbSNP rs2502874674, ClinGen allele CA2580088699.

ClinVar aggregate classification (germline): Uncertain significance. Review status: criteria provided, multiple submitters, no conflicts (2 of 4 stars). 2 submissions from 2 submitters: Uncertain significance (2). Last evaluated 2023-12-06.

Conditions:
Spastic paraplegia. Identifiers: MedGen C0037772, HP:0001258.

Submissions (2):

GeneDx
Classification: Uncertain significance. Last evaluated: 2023-12-06. Review status: criteria provided, single submitter. Criteria: GeneDx Variant Classification Process June 2021. Collection method: clinical testing. Allele origin: germline. Affected: yes.
Comment: Not observed at significant frequency in large population cohorts (gnomAD); In silico analysis supports that this variant does not alter protein structure/function; Has not been previously published as pathogenic or benign to our knowledge

Labcorp Genetics (formerly Invitae), Labcorp
Classification: Uncertain significance for Spastic paraplegia. Last evaluated: 2021-09-18. Review status: criteria provided, single submitter. Criteria: Invitae Variant Classification Sherloc (09022015). Collection method: clinical testing. Allele origin: germline.
Comment: This sequence change replaces cysteine with phenylalanine at codon 356 of the ZFYVE26 protein (p.Cys356Phe). The cysteine residue is moderately conserved and there is a large physicochemical difference between cysteine and phenylalanine. The frequency data for this variant in the population databases is not available, as this variant may be reported as separate entries in the ExAC database. This variant has not been reported in the literature in individuals affected with ZFYVE26-related conditions. Algorithms developed to predict the effect of missense changes on protein structure and function are either unavailable or do not agree on the potential impact of this missense change (SIFT: "Not Available"; PolyPhen-2: "Benign"; Align-GVGD: "Not Available"). In summary, the available evidence is currently insufficient to determine the role of this variant in disease. Therefore, it has been classified as a Variant of Uncertain Significance.